The following is an entry in ClinVar:

ClinVar aggregate classification (germline): Uncertain significance. Review status: criteria provided, multiple submitters, no conflicts (2 of 4 stars). 2 submissions from 2 submitters: Uncertain significance (2). Last evaluated 2026-09-10.

Conditions:
Cardiovascular phenotype. Identifiers: MedGen CN230736.
Hypertrophic cardiomyopathy. Also called: HYPERTROPHIC MYOCARDIOPATHY. Identifiers: Orphanet 217569, MedGen C0007194, MeSH D002312, MONDO:0005045, HP:0001639.

Submissions (2):

Ambry Genetics
Classification: Uncertain significance for Cardiovascular phenotype. Last evaluated: 2026-09-10. Review status: criteria provided, single submitter. Criteria: Ambry Variant Classification Scheme 2023. Collection method: clinical testing. Allele origin: germline.

All of Us Research Program, National Institutes of Health
Classification: Uncertain significance for Hypertrophic cardiomyopathy. Last evaluated: 2023-12-18. Review status: criteria provided, single submitter. Criteria: ACMG Guidelines, 2015. Collection method: clinical testing. Allele origin: germline. Inheritance: Autosomal dominant inheritance. Observed: 1 variant allele, 1 heterozygote.
Comment: This missense variant replaces alanine with glutamic acid at codon 522 of the MYBPC3 protein. Computational prediction suggests that this variant may not impact protein structure and function (internally defined REVEL score threshold <= 0.5, PMID: 27666373). To our knowledge, functional studies have not been reported for this variant. This variant has not been reported in individuals affected with MYBPC3-related disorders in the literature. This variant has not been identified in the general population by the Genome Aggregation Database (gnomAD). The available evidence is insufficient to determine the role of this variant in disease conclusively. Therefore, this variant is classified as a Variant of Uncertain Significance.

This study involves interpretation of variants in research participants for the purpose of population health screening. Participant phenotype was not available at the time of variant classification. Additional details can be found in publication PMID: 35346344, PMCID: PMC8962531

NM_000256.3(MYBPC3):c.1565C>A (p.Ala522Glu)

Gene: MYBPC3 (myosin binding protein C3; minus strand). Cytogenetic location: 11p11.2.
Variant type: single nucleotide variant.
Coding change: c.1565C>A on transcript NM_000256.3 (MANE Select); coding-DNA position 1565, C replaced by A.
Protein change: p.Ala522Glu; replaces alanine 522 with glutamic acid.
Molecular consequence: missense variant.
Genome position (GRCh38, 1-based): chr11:47,342,637, G>T on the plus strand (C>A on the coding strand, the complement: MYBPC3 is on the minus strand). VCF-style: chr11-47342637-G-T. GRCh37 (hg19) VCF-style: chr11-47364188-G-T.
Other names: short protein forms A522E.
Identifiers: ClinVar variation 3075147 (VCV003075147.2), dbSNP rs370362589, ClinGen allele CA380325093.